The following is an entry in ClinVar:

ClinVar aggregate classification (germline): Conflicting classifications of pathogenicity. Review status: criteria provided, conflicting classifications (1 of 4 stars). 2 submissions from 2 submitters: Likely pathogenic (1); Uncertain significance (1). Last evaluated 2025-06-04.

Conditions:
Mitochondrial complex IV deficiency, nuclear type 14. Also called: Mitochondrial complex 4 deficiency, nuclear type 14. Identifiers: MedGen C5436710, MONDO:0033649, OMIM 619058.

Submissions (2):

First Genomix Gene Laboratory, Genetic Diagnostics Department
Classification: Likely pathogenic for Mitochondrial complex IV deficiency, nuclear type 14. Last evaluated: 2025-06-04. Review status: criteria provided, single submitter. Criteria: ACMG Guidelines, 2015. Collection method: clinical testing. Allele origin: germline. Inheritance: Autosomal recessive inheritance. Affected: no. Observed: 1 variant allele.

Labcorp Genetics (formerly Invitae), Labcorp
Classification: Uncertain significance. Last evaluated: 2025-05-29. Review status: criteria provided, single submitter. Criteria: Invitae Variant Classification Sherloc (09022015). Collection method: clinical testing. Allele origin: germline.
Comment: This sequence change creates a premature translational stop signal (p.Arg98*) in the COA3 gene. While this is not anticipated to result in nonsense mediated decay, it is expected to disrupt the last 9 amino acid(s) of the COA3 protein. This variant is present in population databases (rs150778923, gnomAD 0.008%). This variant has not been reported in the literature in individuals affected with COA3-related conditions. Experimental studies and prediction algorithms are not available or were not evaluated, and the functional significance of this variant is currently unknown. In summary, the available evidence is currently insufficient to determine the role of this variant in disease. Therefore, it has been classified as a Variant of Uncertain Significance.

NM_001040431.3(COA3):c.292C>T (p.Arg98Ter)

Gene: COA3 (cytochrome c oxidase assembly factor 3; minus strand). Cytogenetic location: 17q21.2.
Variant type: single nucleotide variant.
Coding change: c.292C>T on transcript NM_001040431.3 (MANE Select); coding-DNA position 292, C replaced by T.
Protein change: p.Arg98Ter; replaces arginine 98 with a stop codon.
Molecular consequence: nonsense.
Genome position (GRCh38, 1-based): chr17:42,798,090, G>A on the plus strand (C>T on the coding strand, the complement: COA3 is on the minus strand). VCF-style: chr17-42798090-G-A. GRCh37 (hg19) VCF-style: chr17-40950108-G-A.
Other names: short protein forms R98*.
Identifiers: ClinVar variation 4695191 (VCV004695191.2).